The following is an entry in ClinVar:

ClinVar aggregate classification (germline): Uncertain significance. Review status: criteria provided, multiple submitters, no conflicts (2 of 4 stars). 3 submissions from 3 submitters: Uncertain significance (3). Last evaluated 2025-11-05.

Conditions:
Hereditary cancer-predisposing syndrome. Also called: Hereditary neoplastic syndrome; Tumor predisposition; Neoplastic Syndromes, Hereditary; Hereditary Cancer Syndrome. Identifiers: Orphanet 140162, MedGen C0027672, MeSH D009386, MONDO:0015356.

Submissions (3):

Labcorp Genetics (formerly Invitae), Labcorp
Classification: Uncertain significance. Last evaluated: 2025-11-05. Review status: criteria provided, single submitter. Criteria: Invitae Variant Classification Sherloc (09022015). Collection method: clinical testing. Allele origin: germline.
Comment: This sequence change replaces glycine, which is neutral and non-polar, with serine, which is neutral and polar, at codon 786 of the POLE protein (p.Gly786Ser). This variant is not present in population databases (gnomAD no frequency). This variant has not been reported in the literature in individuals affected with POLE-related conditions. ClinVar contains an entry for this variant (Variation ID: 955074). Invitae Evidence Modeling of protein sequence and biophysical properties (such as structural, functional, and spatial information, amino acid conservation, physicochemical variation, residue mobility, and thermodynamic stability) indicates that this missense variant is not expected to disrupt POLE protein function with a negative predictive value of 80%. In summary, the available evidence is currently insufficient to determine the role of this variant in disease. Therefore, it has been classified as a Variant of Uncertain Significance.

Center for Genomic Medicine, Rigshospitalet, Copenhagen University Hospital
Classification: Uncertain significance. Last evaluated: 2025-03-04. Review status: criteria provided, single submitter. Criteria: ACMG Guidelines, 2015. Collection method: clinical testing. Allele origin: germline.

Ambry Genetics
Classification: Uncertain significance for Hereditary cancer-predisposing syndrome. Last evaluated: 2024-05-31. Review status: criteria provided, single submitter. Criteria: Ambry Variant Classification Scheme 2023. Collection method: clinical testing. Allele origin: germline.
Comment: The p.G786S variant (also known as c.2356G>A), located in coding exon 21 of the POLE gene, results from a G to A substitution at nucleotide position 2356. The glycine at codon 786 is replaced by serine, an amino acid with similar properties. This amino acid position is conserved. In addition, the in silico prediction for this alteration is inconclusive. Based on the available evidence, the clinical significance of this variant remains unclear.

NM_006231.4(POLE):c.2356G>A (p.Gly786Ser)

Gene: POLE (DNA polymerase epsilon, catalytic subunit; minus strand). Cytogenetic location: 12q24.33.
Variant type: single nucleotide variant.
Coding change: c.2356G>A on transcript NM_006231.4 (MANE Select); coding-DNA position 2356, G replaced by A.
Protein change: p.Gly786Ser; replaces glycine 786 with serine.
Molecular consequence: missense variant.
Genome position (GRCh38, 1-based): chr12:132,665,414, C>T on the plus strand (G>A on the coding strand, the complement: POLE is on the minus strand). VCF-style: chr12-132665414-C-T. GRCh37 (hg19) VCF-style: chr12-133242000-C-T.
Other names: c.2356G>A (NM_006231.2); short protein forms G786S.
Identifiers: ClinVar variation 955074 (VCV000955074.11), dbSNP rs2042773154, ClinGen allele CA387397752.
Genomic context (GRCh38, chr12:132,665,414, plus strand): 5'-GCTGCAGCGAGTCATACAGCACCTCCATGTTCTTGCAGCGCTTCACCTCAGCCGCGTCGC[C>T]CACCTCCACGGCCGCCGAGAGCTTCTTTTTCCACACCTGAGAAGCACATGAACATGGAGC-3'
Protein context (NP_006222.2, residues 776-796): KKKLSAAVEV[Gly786Ser]DAAEVKRCKN